The following is an entry in ClinVar:

ClinVar aggregate classification (germline): Benign (1 of 4 stars; one submission).

Allele frequency attached by ClinVar (database versions not stated): 1000 Genomes Project 0.14277; 1000 Genomes Project 30x 0.14600; TOPMed 0.22335; gnomAD 0.22685 and 0.23365; gnomAD exomes 0.24522.
gnomAD v4.1: 247,325 of 1,023,458 alleles (24%); highest among the groups gnomAD compares: Non-Finnish European, 27%; 32,656 homozygotes.

Submission:

GeneDx
Classification: Benign. Last evaluated: 2018-06-14. Review status: criteria provided, single submitter. Criteria: GeneDx Variant Classification (06012015). Collection method: clinical testing. Allele origin: germline. Affected: yes.
Comment: This variant is considered likely benign or benign based on one or more of the following criteria: it is a conservative change, it occurs at a poorly conserved position in the protein, it is predicted to be benign by multiple in silico algorithms, and/or has population frequency not consistent with disease.

NM_001848.3(COL6A1):c.1273-151G>A

Gene: COL6A1 (collagen type VI alpha 1 chain; plus strand). Cytogenetic location: 21q22.3.
Variant type: single nucleotide variant.
Coding change: c.1273-151G>A on transcript NM_001848.3 (MANE Select); 151 bases into the intron before coding-DNA position 1273, G replaced by A.
Molecular consequence: intron variant.
Genome position (GRCh38, 1-based): chr21:45,992,597, G>A. VCF-style: chr21-45992597-G-A. GRCh37 (hg19) VCF-style: chr21-47412511-G-A.
Identifiers: ClinVar variation 680311 (VCV000680311.1), dbSNP rs760438, ClinGen allele CA14875385.
Genomic context (GRCh38, chr21:45,992,597, plus strand): 5'-TCCAGGATGCCTCTTCCCACAGTCTCAGAGCGGGTGGGACCTGGGGAACCAGGAGATTCC[G>A]GCCTCTGCAACCGTGGGGCATGCGGTGGAGGGGTGGCCCCTCCCAGGGGTCCTGCTGGGG-3'